The following is an entry in ClinVar:

NC_000002.11:g.(?_113816996)_(113820274_?)del

Gene: IL36RN (interleukin 36 receptor antagonist; plus strand). Cytogenetic location: 2q13.
Variant type: Deletion.
Identifiers: ClinVar variation 1071715 (VCV001071715.1).

ClinVar aggregate classification (germline): Pathogenic (1 of 4 stars; one submission).

Conditions:
Generalized pustular psoriasis. Identifiers: Orphanet 247353, MedGen C0343055, MONDO:0100491.

Submission:

Labcorp Genetics (formerly Invitae), Labcorp
Classification: Pathogenic for Generalized pustular psoriasis. Last evaluated: 2020-01-07. Review status: criteria provided, single submitter. Criteria: Invitae Variant Classification Sherloc (09022015). Collection method: clinical testing. Allele origin: germline.
Comment: A gross deletion of the genomic region encompassing the full coding sequence of the IL36RN gene has been identified. The boundaries of this event are unknown as the deletion extends beyond the assayed region for this gene and therefore may encompass additional genes. This variant has not been reported in the literature in individuals with IL36RN-related conditions. Loss-of-function variants in IL36RN are known to be pathogenic (PMID: 23698098). For these reasons, this variant has been classified as Pathogenic.

Literature cited by the submitters: PubMed 23698098.